The following is an entry in ClinVar:

NM_001042492.3(NF1):c.30C>G (p.Val10=)

Genes: MIR4733HG (MIR4733 host gene; minus strand), NF1 (neurofibromin 1; plus strand), LOC111811965 (NF1 (neurofibromin 1) promoter region; plus strand). Cytogenetic location: 17q11.2.
Variant type: single nucleotide variant.
Coding change: c.30C>G on transcript NM_001042492.3 (MANE Select); coding-DNA position 30, C replaced by G.
Protein change: p.Val10=; no amino-acid change (valine 10 retained).
Molecular consequence: synonymous variant. On other transcripts: non-coding transcript variant (1).
Genome position (GRCh38, 1-based): chr17:31,095,339, C>G. VCF-style: chr17-31095339-C-G. GRCh37 (hg19) VCF-style: chr17-29422357-C-G.
Other names: c.30C>G, p.Val10= (NM_001128147.3, NM_000267.4).
Identifiers: ClinVar variation 759525 (VCV000759525.17), dbSNP rs1033348008, ClinGen allele CA289314766.

ClinVar aggregate classification (germline): Conflicting classifications of pathogenicity. Review status: criteria provided, conflicting classifications (1 of 4 stars). 6 submissions from 6 submitters: Uncertain significance (1); Benign (1); Likely benign (4). Last evaluated 2026-05-14.

Conditions:
Hereditary cancer-predisposing syndrome. Also called: Tumor predisposition; Hereditary Cancer Syndrome; Hereditary neoplastic syndrome; Neoplastic Syndromes, Hereditary. Identifiers: Orphanet 140162, MedGen C0027672, MeSH D009386, MONDO:0015356.
Cardiovascular phenotype. Identifiers: MedGen CN230736.
Neurofibromatosis, type 1 (NF1). Also called: NEUROFIBROMATOSIS, TYPE I, SOMATIC; Peripheral type neurofibromatosis; VON RECKLINGHAUSEN DISEASE; Neurofibromatosis, type I. Identifiers: Orphanet 636, MedGen C0027831, MONDO:0018975, OMIM 162200. Disease mechanism: loss of function.

Allele frequency attached by ClinVar (database versions not stated): TOPMed 0.00002; gnomAD exomes below 0.00001; gnomAD 0.00001.
gnomAD v4.1: 2 of 1,539,698 alleles (0.00013%); highest among the groups gnomAD compares: African/African-American, 0.0027%; no homozygotes.

Submissions (6):

Myriad Genetics, Inc.
Classification: Benign for Neurofibromatosis, type 1. Last evaluated: 2026-05-14. Review status: criteria provided, single submitter. Criteria: Myriad Autosomal Dominant, Autosomal Recessive and X-Linked Classification Criteria (2023). Collection method: clinical testing. Allele origin: unknown.
Comment: This variant is considered benign. This variant is a silent/synonymous amino acid change and it is not expected to impact splicing.

Labcorp Genetics (formerly Invitae), Labcorp
Classification: Likely benign for Neurofibromatosis, type 1. Last evaluated: 2026-01-28. Review status: criteria provided, single submitter. Criteria: Invitae Variant Classification Sherloc (09022015). Collection method: clinical testing. Allele origin: germline.

GeneDx
Classification: Uncertain significance. Last evaluated: 2022-12-22. Review status: criteria provided, single submitter. Criteria: GeneDx Variant Classification Process June 2021. Collection method: clinical testing. Allele origin: germline. Affected: yes.
Comment: Has not been previously published as pathogenic or benign to our knowledge; Not observed at significant frequency in large population cohorts (gnomAD); In silico analysis supports that this variant does not alter splicing

Genome-Nilou Lab
Classification: Likely benign for Neurofibromatosis, type 1. Last evaluated: 2022-03-15. Review status: criteria provided, single submitter. Criteria: ACMG Guidelines, 2015. Collection method: clinical testing. Allele origin: germline. Affected: no.

Sema4
Classification: Likely benign for Hereditary cancer-predisposing syndrome. Last evaluated: 2021-07-15. Review status: criteria provided, single submitter. Criteria: Sema4 Curation Guidelines. Collection method: curation. Allele origin: germline.

Ambry Genetics
Classification: Likely benign for Cardiovascular phenotype; Hereditary cancer-predisposing syndrome. Last evaluated: 2019-11-14. Review status: criteria provided, single submitter. Criteria: Ambry Variant Classification Scheme 2023. Collection method: clinical testing. Allele origin: germline.